The following is an entry in ClinVar:

ClinVar aggregate classification (germline): Pathogenic/Likely pathogenic. Review status: criteria provided, multiple submitters, no conflicts (2 of 4 stars). 2 submissions from 2 submitters: Pathogenic (1); Likely pathogenic (1). Last evaluated 2024-05-13.

Conditions:
Hereditary cancer-predisposing syndrome. Also called: Hereditary neoplastic syndrome; Hereditary Cancer Syndrome; Neoplastic Syndromes, Hereditary; Tumor predisposition. Identifiers: Orphanet 140162, MedGen C0027672, MeSH D009386, MONDO:0015356.
Ataxia-telangiectasia syndrome (AT). Also called: Cerebello-oculocutaneous telangiectasia; Immunodeficiency with ataxia telangiectasia; AT, COMPLEMENTATION GROUP C; Ataxia-telangiectasia, complementation group E; LOUIS-BAR SYNDROME; ATAXIA-TELANGIECTASIA, COMPLEMENTATION GROUP A. Identifiers: Orphanet 100, MedGen C0004135, MONDO:0008840, OMIM 208900.

Submissions (2):

Ambry Genetics
Classification: Likely pathogenic for Hereditary cancer-predisposing syndrome. Last evaluated: 2024-05-13. Review status: criteria provided, single submitter. Criteria: Ambry Variant Classification Scheme 2023. Collection method: clinical testing. Allele origin: germline.
Comment: The c.1236-1G>C intronic variant results from a G to C substitution one nucleotide upstream from coding exon 9 of the ATM gene. This variant is considered to be rare based on population cohorts in the Genome Aggregation Database (gnomAD). This nucleotide position is highly conserved in available vertebrate species. In silico splice site analysis predicts that this alteration will weaken the native splice acceptor site and will result in the creation or strengthening of a novel splice acceptor site. Alterations that disrupt the canonical splice site are expected to cause aberrant splicing, resulting in an abnormal protein or a transcript that is subject to nonsense-mediated mRNA decay. As such, this alteration is classified as likely pathogenic.

Labcorp Genetics (formerly Invitae), Labcorp
Classification: Pathogenic for Ataxia-telangiectasia syndrome. Last evaluated: 2022-08-05. Review status: criteria provided, single submitter. Criteria: Invitae Variant Classification Sherloc (09022015). Collection method: clinical testing. Allele origin: germline.
Comment: This sequence change affects an acceptor splice site in intron 9 of the ATM gene. It is expected to disrupt RNA splicing. Variants that disrupt the donor or acceptor splice site typically lead to a loss of protein function (PMID: 16199547), and loss-of-function variants in ATM are known to be pathogenic (PMID: 23807571, 25614872). This variant is not present in population databases (gnomAD no frequency). This variant has not been reported in the literature in individuals affected with ATM-related conditions. ClinVar contains an entry for this variant (Variation ID: 1365055). Studies have shown that disruption of this splice site alters ATM gene expression (PMID: 14695534). Algorithms developed to predict the effect of sequence changes on RNA splicing suggest that this variant may disrupt the consensus splice site. For these reasons, this variant has been classified as Pathogenic.

Literature cited by the submitters: PubMed 16199547 (cited by Labcorp Genetics (formerly Invitae), Labcorp); PubMed 23807571 (cited by Labcorp Genetics (formerly Invitae), Labcorp); PubMed 25614872 (cited by Labcorp Genetics (formerly Invitae), Labcorp); PubMed 14695534 (cited by Labcorp Genetics (formerly Invitae), Labcorp).

NM_000051.4(ATM):c.1236-1G>C

Gene: ATM (ATM serine/threonine kinase; plus strand). Cytogenetic location: 11q22.3.
Variant type: single nucleotide variant.
Coding change: c.1236-1G>C on transcript NM_000051.4 (MANE Select); the canonical splice acceptor site of the intron before coding-DNA position 1236, G replaced by C.
Molecular consequence: splice acceptor variant.
Genome position (GRCh38, 1-based): chr11:108,250,700, G>C. VCF-style: chr11-108250700-G-C. GRCh37 (hg19) VCF-style: chr11-108121427-G-C.
Other names: c.1236-1G>C (NM_001351834.2).
Identifiers: ClinVar variation 1365055 (VCV001365055.11), dbSNP rs1408719214, ClinGen allele CA382533121.